The following is an entry in ClinVar:

ClinVar aggregate classification (germline): Uncertain significance (1 of 4 stars; one submission).

Conditions:
Anauxetic dysplasia. Identifiers: Orphanet 93347, MedGen C1846796, MONDO:0011773.

Allele frequency attached by ClinVar (database versions not stated): 1000 Genomes Project 30x 0.00016.

Submission:

Labcorp Genetics (formerly Invitae), Labcorp
Classification: Uncertain significance for Anauxetic dysplasia. Last evaluated: 2026-01-19. Review status: criteria provided, single submitter. Criteria: Invitae Variant Classification Sherloc (09022015). Collection method: clinical testing. Allele origin: germline.
Comment: This variant occurs in the RMRP gene, which encodes an RNA molecule that does not result in a protein product. This variant is present in population databases (no rsID available, gnomAD 0.1%). This variant has not been reported in the literature in individuals affected with RMRP-related conditions. Experimental studies and prediction algorithms are not available or were not evaluated, and the functional significance of this variant is currently unknown. In summary, the available evidence is currently insufficient to determine the role of this variant in disease. Therefore, it has been classified as a Variant of Uncertain Significance.

NC_000009.12:g.35657707G>C

Gene: RMRP (RNA component of mitochondrial RNA processing endoribonuclease; minus strand). Cytogenetic location: 9p13.3.
Variant type: single nucleotide variant.
Genome position: GRCh38 VCF-style: chr9-35657707-G-C. GRCh37 (hg19) VCF-style: chr9-35657704-G-C.
Identifiers: ClinVar variation 2414413 (VCV002414413.9), dbSNP rs903310510, ClinGen allele CA192745508.